The following continues an entry in ClinVar:

NM_000059.4(BRCA2):c.6024dup (p.Gln2009fs)

Gene: BRCA2. ClinVar aggregate classification (germline): Pathogenic. Pathogenic (1).

Submissions 11 to 26 of 26:

Color Diagnostics, LLC DBA Color Health
Classification: Pathogenic for Hereditary cancer-predisposing syndrome. Last evaluated: 2024-02-26. Review status: criteria provided, single submitter. Criteria: ACMG Guidelines, 2015. Collection method: clinical testing. Allele origin: germline. Not counted in ClinVar's aggregate classification.
Comment: This variant inserts 1 nucleotide in exon 11 of the BRCA2 gene, creating a frameshift and premature translation stop signal. This variant is expected to result in an absent or non-functional protein product. This variant has been observed in at least 9 individuals affected with breast and ovarian cancer (PMID: 15944772, 22044689, 25236687, 26687385, 28528518, 28947987, 29084914, 30014164, 30103829). This variant has been identified in 1/250690 chromosomes in the general population by the Genome Aggregation Database (gnomAD). Loss of BRCA2 function is a known mechanism of disease. Based on the available evidence, this variant is classified as Pathogenic.

Baylor Genetics
Classification: Pathogenic for Familial cancer of breast. Last evaluated: 2024-02-23. Review status: criteria provided, single submitter. Criteria: ACMG Guidelines, 2015. Collection method: clinical testing. Allele origin: unknown. Not counted in ClinVar's aggregate classification.

ARUP Laboratories, Molecular Genetics and Genomics, ARUP Laboratories
Classification: Pathogenic. Last evaluated: 2023-09-08. Review status: criteria provided, single submitter. Criteria: ARUP Molecular Germline Variant Investigation Process 2024. Collection method: clinical testing. Allele origin: germline. Not counted in ClinVar's aggregate classification.
Comment: The BRCA2 c.6024dupG; p.Gln2009fs variant (rs80359554) is reported in the literature in multiple individuals with a personal or family history of breast and/or ovarian cancer (Cock-Rada 2018, Labidi-Galy 2018, Rodriguez 2012, Salgado 2005). This variant is found on a single chromosome in the Genome Aggregation Database (1/250690 alleles), indicating it is not a common polymorphism, and it is reported as pathogenic by multiple laboratories in ClinVar (Variation ID: 38015). This variant causes a frameshift by inserting a single nucleotide, so it is predicted to result in a truncated protein or mRNA subject to nonsense-mediated decay. Based on available information, this variant is considered to be pathogenic. References: Cock-Rada AM et al. A multi-gene panel study in hereditary breast and ovarian cancer in Colombia. Fam Cancer. 2018 Jan;17(1):23-30. PMID: 28528518. Labidi-Galy SI et al. Location of Mutation in BRCA2 Gene and Survival in Patients with Ovarian Cancer. Clin Cancer Res. 2018 Jan 15;24(2):326-333. PMID: 29084914. Rodriguez AO et al. BRCA1 and BRCA2 mutations among ovarian cancer patients from Colombia. Gynecol Oncol. 2012 Feb;124(2):236-43. PMID: 22044689. Salgado J et al. Structure-based assessment of BRCA1 and BRCA2 mutations in a small Spanish population. Oncol Rep. 2005 Jul;14(1):85-8. PMID: 15944772

GeneDx
Classification: Pathogenic. Last evaluated: 2023-03-28. Review status: criteria provided, single submitter. Criteria: GeneDx Variant Classification Process June 2021. Collection method: clinical testing. Allele origin: germline. Affected: yes. Not counted in ClinVar's aggregate classification.
Comment: Frameshift variant predicted to result in protein truncation or nonsense mediated decay in a gene for which loss-of-function is a known mechanism of disease; Observed in association with Hereditary Breast and Ovarian Cancer syndrome (Salgado et al., 2005; Rodrguez et al., 2012; Yablonski-Peretz et al., 2016; Torres et al., 2017; Labidi-Galy et al., 2018; Ruiz de Sabando et al., 2019); Truncating variants in this gene are considered pathogenic by a well-established clinical consortium and/or database; Not observed at significant frequency in large population cohorts (gnomAD); This variant is associated with the following publications: (PMID: 26687385, 25236687, 34413315, 22044689, 22430266, 15944772, 23966579, 28152038, 28918466, 28680148, 28528518, 29618939, 29084914, 30720243, 30014164, 30322717, 31454914, 31771539, 30787465, 28888541, 29922827, 29884136, 36003761, 32438681)

Revvity Omics, Revvity
Classification: Pathogenic. Last evaluated: 2022-12-05. Review status: criteria provided, single submitter. Criteria: ACMG Guidelines, 2015. Collection method: clinical testing. Allele origin: germline. Not counted in ClinVar's aggregate classification.

Clinical Genetics Laboratory, Skane University Hospital Lund
Classification: Pathogenic. Last evaluated: 2022-05-27. Review status: criteria provided, single submitter. Criteria: ACMG Guidelines, 2015. Collection method: clinical testing. Allele origin: germline. Affected: yes. Not counted in ClinVar's aggregate classification.

AiLife Diagnostics
Classification: Pathogenic. Last evaluated: 2021-06-16. Review status: criteria provided, single submitter. Criteria: ACMG Guidelines, 2015. Collection method: clinical testing. Allele origin: germline. Affected: yes. Observed: 1 variant allele. Not counted in ClinVar's aggregate classification.

Women's Health and Genetics/Laboratory Corporation of America, LabCorp
Classification: Pathogenic for Hereditary breast and ovarian cancer syndrome. Last evaluated: 2018-12-17. Review status: criteria provided, single submitter. Criteria: LabCorp Variant Classification Summary - May 2015. Collection method: clinical testing. Allele origin: germline. Not counted in ClinVar's aggregate classification.
Comment: Variant summary: BRCA2 c.6024dupG (p.Gln2009AlafsX9) results in a premature termination codon, predicted to cause a truncation of the encoded protein or absence of the protein due to nonsense mediated decay, which are commonly known mechanisms for disease. The variant allele was found at a frequency of 4.1e-06 in 245708 control chromosomes (gnomAD). c.6024dupG has been reported in the literature in multiple individuals affected with Breast and/or Ovarian Cancer (Cardoso_2018, Pajares_2018, Villareal-Garza_2015, Chaudhury_2013, Rodriguez_2012, Salgado_2005, Rebbeck_2018). These data indicate that the variant is very likely to be associated with disease. Ten ClinVar submissions from clinical diagnostic laboratories and reputable databases (evaluation after 2014) cite the variant as pathogenic. Based on the evidence outlined above, the variant was classified as pathogenic.

Mendelics
Classification: Pathogenic for Hereditary breast and ovarian cancer syndrome. Last evaluated: 2018-07-02. Review status: criteria provided, single submitter. Criteria: Mendelics Assertion Criteria 2017. Collection method: clinical testing. Allele origin: unknown. Not counted in ClinVar's aggregate classification.

Genologica Medica
Classification: Pathogenic for Breast-ovarian cancer, familial, susceptibility to, 2. Last evaluated: 2017-01-01. Review status: criteria provided, single submitter. Criteria: ACMG Guidelines, 2015. Collection method: clinical testing. Allele origin: germline. Affected: yes. Not counted in ClinVar's aggregate classification.

Consortium of Investigators of Modifiers of BRCA1/2 (CIMBA), c/o University of Cambridge
Classification: Pathogenic for Breast-ovarian cancer, familial, susceptibility to, 2. Last evaluated: 2015-10-02. Review status: criteria provided, single submitter. Criteria: CIMBA Mutation Classification guidelines May 2016. Collection method: clinical testing. Allele origin: germline. Not counted in ClinVar's aggregate classification.

Genesis Genomics
Classification: Pathogenic for Breast-ovarian cancer, familial, susceptibility to, 2. Review status: criteria provided, single submitter. Criteria: ACMG Guidelines, 2015. Collection method: clinical testing. Allele origin: germline. Affected: yes. Observed: 1 variant allele. Not counted in ClinVar's aggregate classification.

PreventionGenetics, part of Exact Sciences
Classification: Pathogenic for BRCA2-related condition. Last evaluated: 2024-07-31. Review status: no assertion criteria provided. Collection method: clinical testing. Allele origin: germline. Not counted in ClinVar's aggregate classification.
Comment: The BRCA2 c.6024dupG variant is predicted to result in a frameshift and premature protein termination (p.Gln2009Alafs*9). This variant, also referred to as 6252insG, has been reported to be causative for hereditary breast and ovarian cancer (Cock-Rada et al. 2018. PubMed ID: 28528518; Millan Catalan et al. 2019. PubMed ID: 31454914). This variant is reported in 0.0029% of alleles in individuals of Latino descent in gnomAD and is interpreted as pathogenic in ClinVar. Frameshift variants in BRCA2 are expected to be pathogenic. This variant is interpreted as pathogenic.

Sharing Clinical Reports Project (SCRP)
Classification: Pathogenic for Breast-ovarian cancer, familial 2. Last evaluated: 2012-09-27. Review status: no assertion criteria provided. Collection method: clinical testing. Allele origin: germline. Not counted in ClinVar's aggregate classification.

Breast Cancer Information Core (BIC) (BRCA2)
Classification: Pathogenic for Breast-ovarian cancer, familial 2. Last evaluated: 2002-06-20. Review status: no assertion criteria provided. Collection method: clinical testing. Allele origin: germline. Affected: yes. Observed: 2 variant alleles. Not counted in ClinVar's aggregate classification.

Department of Pathology and Laboratory Medicine, Sinai Health System
Classification: Pathogenic for Malignant tumor of breast. Review status: no assertion criteria provided. Collection method: clinical testing. Allele origin: unknown. Affected: yes. Study: The Canadian Open Genetics Repository (COGR). Not counted in ClinVar's aggregate classification.
Comment: The BRCA2 p.Gln2009AlafsX9variant was identified in 1 of 376 proband chromosomes (frequency: 0.003) from individuals or families of Mexicans with Breast cancer (Villarreal-Garza 2014). The variant was identified in dbSNP (ID: rs80359554) â€šÃ„ÃºWith Pathogenic alleleâ€šÃ„Ã¹. The ClinVar database classified the variant as a pathogenic variant by the Sharing Clinical Reports Project, derived from Myriad reports), by BIC and by Ambry Genetics. Classification was not provided by Invitae. The variant was identified in BIC database (2X with clinical importance and classified as pathogenic), BRCA Share UMD (5X as causal variant) and ARUP Laboratories 1X as definitely pathogenic. The p.Gln2009AlafsX9 duplication variant is predicted to cause a frameshift, which alters the protein's amino acid sequence beginning at codon 2009 and leads to a premature stop codon 9 codons downstream. This alteration is then predicted to result in a truncated or absent protein and loss of function. Loss of function variants of the BRCA2 gene are an established mechanism of disease in hereditary breast and ovarian cancer and is the type of variant expected to cause the disorder. In summary, based on the above information, this variant meets our laboratoryâ€šÃ„Ã´s criteria to be classified as pathogenic.

Literature cited by the submitters: PubMed 15944772 (cited by 7 submitters); PubMed 23966579 (cited by Ambry Genetics); PubMed 25236687 (cited by 4 submitters); PubMed 26687385 (cited by 4 submitters); PubMed 28528518 (cited by 5 submitters); PubMed 29084914 (cited by 5 submitters); PubMed 20104584 (cited by Labcorp Genetics (formerly Invitae), Labcorp); PubMed 22044689 (cited by 6 submitters); PubMed 28947987 (cited by All of Us Research Program, National Institutes of Health and Color Diagnostics, LLC DBA Color Health); PubMed 30014164 (cited by 3 submitters); PubMed 30103829 (cited by 4 submitters); PubMed 22430266 (cited by Quest Diagnostics Nichols Institute San Juan Capistrano); PubMed 36881271 (cited by Quest Diagnostics Nichols Institute San Juan Capistrano); PubMed 35534704 (cited by Quest Diagnostics Nichols Institute San Juan Capistrano); PubMed 28985766 (cited by Quest Diagnostics Nichols Institute San Juan Capistrano); PubMed 26295337 (cited by Quest Diagnostics Nichols Institute San Juan Capistrano); PubMed 30322717 (cited by AiLife Diagnostics); PubMed 31454914 (cited by AiLife Diagnostics); PubMed 30720243 (cited by AiLife Diagnostics); PubMed 29446198 (cited by Women's Health and Genetics/Laboratory Corporation of America, LabCorp); PubMed 29884136 (cited by Women's Health and Genetics/Laboratory Corporation of America, LabCorp).